The following is an entry in ClinVar:

NM_001003699.4(RREB1):c.1861G>A (p.Gly621Arg)

Gene: RREB1 (ras responsive element binding protein 1; plus strand). Cytogenetic location: 6p24.3.
Variant type: single nucleotide variant.
Coding change: c.1861G>A on transcript NM_001003699.4 (MANE Select); coding-DNA position 1861, G replaced by A.
Protein change: p.Gly621Arg; replaces glycine 621 with arginine.
Molecular consequence: missense variant.
Genome position (GRCh38, 1-based): chr6:7,229,960, G>A. VCF-style: chr6-7229960-G-A. GRCh37 (hg19) VCF-style: chr6-7230193-G-A.
Other names: c.1861G>A, p.Gly621Arg (NM_001168344.2, NM_001003698.4, NM_001003700.2); short protein forms G621R.
Identifiers: ClinVar variation 3251147 (VCV003251147.18), dbSNP rs775881827.

ClinVar aggregate classification (germline): Uncertain significance (1 of 4 stars; one submission).

gnomAD v4.1: 2 of 1,603,936 alleles (0.00012%); highest among the groups gnomAD compares: Non-Finnish European, 0.00017%; no homozygotes.

Submission:

CeGaT Center for Human Genetics Tuebingen
Classification: Uncertain significance. Last evaluated: 2024-06-01. Review status: criteria provided, single submitter. Criteria: CeGaT Center For Human Genetics Tuebingen Variant Classification Criteria Version 2. Collection method: clinical testing. Allele origin: germline. Affected: yes. Observed: 1 variant allele.
Comment: RREB1: PM2, BP4